The following is an entry in ClinVar:

ClinVar aggregate classification (germline): Conflicting classifications of pathogenicity. Review status: criteria provided, conflicting classifications (1 of 4 stars). 4 submissions from 4 submitters: Likely pathogenic (3); Uncertain significance (1). Last evaluated 2026-02-04.

Conditions:
Hereditary cancer-predisposing syndrome. Also called: Hereditary neoplastic syndrome; Neoplastic Syndromes, Hereditary; Tumor predisposition; Hereditary Cancer Syndrome. Identifiers: Orphanet 140162, MedGen C0027672, MeSH D009386, MONDO:0015356.
Colorectal cancer. Also called: Colorectal cancer, somatic; Malignant Colorectal Neoplasm. Identifiers: MedGen C0346629, MONDO:0005575, OMIM 114500.
Familial spontaneous pneumothorax (PSP). Identifiers: Orphanet 2903, MedGen C1868193, MONDO:0008259, OMIM 173600.
Nonpapillary renal cell carcinoma. Identifiers: Orphanet 422526, MedGen CN074294, MONDO:0007763, OMIM 144700.
Birt-Hogg-Dube syndrome 1 (BHD1). Also called: FIBROFOLLICULOMAS WITH TRICHODISCOMAS AND ACROCHORDONS. Identifiers: Orphanet 122, MedGen CN375946, MONDO:0800445, OMIM 135150.
Birt-Hogg-Dube syndrome. Also called: Birt Hogg Dubé syndrome. Identifiers: Orphanet 122, MedGen C0346010, MONDO:0800444.

Submissions (4):

Ambry Genetics
Classification: Uncertain significance for Hereditary cancer-predisposing syndrome. Last evaluated: 2026-02-04. Review status: criteria provided, single submitter. Criteria: Ambry Variant Classification Scheme 2023. Collection method: clinical testing. Allele origin: germline.
Comment: The c.871+2T>C intronic variant results from a T to C substitution two nucleotides after coding exon 5 in the FLCN gene. In silico splice site analysis predicts that this alteration will weaken the native splice donor site; however, direct evidence is insufficient at this time (Ambry internal data). Alterations that disrupt the canonical splice site are expected to cause aberrant splicing, resulting in an abnormal protein or a transcript that is subject to nonsense-mediated mRNA decay; however, +2T>C alterations are capable of generating wild-type transcripts in some genomic contexts and should be interpreted with caution (Lin JH et al. Hum Mutat. 2019 10;40:1856-1873). Based on the available evidence, the clinical significance of this alteration remains unclear.

Labcorp Genetics (formerly Invitae), Labcorp
Classification: Likely pathogenic for Birt-Hogg-Dube syndrome. Last evaluated: 2025-09-21. Review status: criteria provided, single submitter. Criteria: Invitae Variant Classification Sherloc (09022015). Collection method: clinical testing. Allele origin: germline.
Comment: This sequence change affects a donor splice site in intron 8 of the FLCN gene. RNA analysis indicates that disruption of this splice site induces altered splicing and may result in an absent or altered protein product. This variant is not present in population databases (gnomAD no frequency). This variant has not been reported in the literature in individuals affected with FLCN-related conditions. ClinVar contains an entry for this variant (Variation ID: 2190454). Studies have shown that disruption of this splice site results in multiple RNA products involving activation of cryptic splice sites as well as skipping of exon 7-8 and exon 8, and produces a non-functional protein and/or introduces a premature termination codon (internal data). In summary, the currently available evidence indicates that the variant is pathogenic, but additional data are needed to prove that conclusively. Therefore, this variant has been classified as Likely Pathogenic.

Fulgent Genetics
Classification: Likely pathogenic for Colorectal cancer; Birt-Hogg-Dube syndrome 1; Nonpapillary renal cell carcinoma; Familial spontaneous pneumothorax. Last evaluated: 2024-05-22. Review status: criteria provided, single submitter. Criteria: ACMG Guidelines, 2015. Collection method: clinical testing. Allele origin: germline.

Myriad Genetics, Inc.
Classification: Likely pathogenic for Birt-Hogg-Dube syndrome 1. Last evaluated: 2023-10-10. Review status: criteria provided, single submitter. Criteria: Myriad Autosomal Dominant, Autosomal Recessive and X-Linked Classification Criteria (2023). Collection method: clinical testing. Allele origin: unknown.
Comment: This variant is considered likely pathogenic. This variant occurs within a consensus splice junction and is predicted to result in abnormal mRNA splicing of either an out-of-frame exon or an in-frame exon necessary for protein stability and/or normal function.

NM_144997.7(FLCN):c.871+2T>C

Gene: FLCN (folliculin; minus strand). Cytogenetic location: 17p11.2.
Variant type: single nucleotide variant.
Coding change: c.871+2T>C on transcript NM_144997.7 (MANE Select); the canonical splice donor site of the intron after coding-DNA position 871, T replaced by C.
Molecular consequence: splice donor variant. On other transcripts: synonymous variant (1).
Genome position (GRCh38, 1-based): chr17:17,221,535, A>G on the plus strand (T>C on the coding strand, the complement: FLCN is on the minus strand). VCF-style: chr17-17221535-A-G. GRCh37 (hg19) VCF-style: chr17-17124849-A-G.
Other names: c.871+2T>C (NM_144997.5, NM_001353231.2, NM_001353230.2); c.873T>C, p.Gly291= (NM_144606.7); c.925+2T>C (NM_001353229.2).
Identifiers: ClinVar variation 2190454 (VCV002190454.8), dbSNP rs2544218927, ClinGen allele CA398533604.